The following is an entry in ClinVar:

ClinVar aggregate classification (germline): Uncertain significance (1 of 4 stars; one submission).

Conditions:
Fetal akinesia deformation sequence 1 (FADS1). Also called: Pena-Shokeir syndrome type I; Fetal akinesia sequence. Identifiers: Orphanet 994, MedGen C1276035, MONDO:0100101, OMIM 208150, HP:0001989.
Congenital myasthenic syndrome 10. Also called: Myasthenia, limb-girdle, familial. Identifiers: Orphanet 590, MedGen C1850792, MONDO:0009690, OMIM 254300.

Allele frequency attached by ClinVar (database versions not stated): ExAC 0.00001; TOPMed 0.00003.

Submission:

Labcorp Genetics (formerly Invitae), Labcorp
Classification: Uncertain significance for Congenital myasthenic syndrome 10; Fetal akinesia deformation sequence 1. Last evaluated: 2024-08-12. Review status: criteria provided, single submitter. Criteria: Invitae Variant Classification Sherloc (09022015). Collection method: clinical testing. Allele origin: germline.
Comment: This sequence change replaces arginine, which is basic and polar, with cysteine, which is neutral and slightly polar, at codon 47 of the DOK7 protein (p.Arg47Cys). The frequency data for this variant in the population databases is considered unreliable, as metrics indicate poor data quality at this position in the gnomAD database. This variant has not been reported in the literature in individuals affected with DOK7-related conditions. ClinVar contains an entry for this variant (Variation ID: 857693). An algorithm developed to predict the effect of missense changes on protein structure and function (PolyPhen-2) suggests that this variant is likely to be disruptive. In summary, the available evidence is currently insufficient to determine the role of this variant in disease. Therefore, it has been classified as a Variant of Uncertain Significance.

NM_173660.5(DOK7):c.139C>T (p.Arg47Cys)

Gene: DOK7 (docking protein 7; plus strand). Cytogenetic location: 4p16.3.
Variant type: single nucleotide variant.
Coding change: c.139C>T on transcript NM_173660.5 (MANE Select); coding-DNA position 139, C replaced by T.
Protein change: p.Arg47Cys; replaces arginine 47 with cysteine.
Molecular consequence: missense variant. On other transcripts: intron variant (1).
Genome position (GRCh38, 1-based): chr4:3,473,444, C>T. VCF-style: chr4-3473444-C-T. GRCh37 (hg19) VCF-style: chr4-3475171-C-T.
Other names: c.139C>T, p.Arg47Cys (NM_001164673.2, NM_001301071.2); c.100+9893C>T (NM_001363811.2); short protein forms R47C.
Identifiers: ClinVar variation 857693 (VCV000857693.6), dbSNP rs781665230, ClinGen allele CA2828884.
Genomic context (GRCh38, chr4:3,473,444, plus strand): 5'-CTGACGGCCACGCTCCTTGCAGACTGCCTGCTGATGCTGGTCTACAAGGACAAGTCGGAG[C>T]GTATCAAGGGCCTGCGGGAGCGCAGCAGCCTGACGCTAGAGGACATCTGCGGGCTGGAGC-3'
Protein context (NP_775931.3, residues 37-57): LMLVYKDKSE[Arg47Cys]IKGLRERSSL